The following is an entry in ClinVar:

ClinVar aggregate classification (germline): Uncertain significance (1 of 4 stars; one submission).

Submission:

GeneDx
Classification: Uncertain significance. Last evaluated: 2025-09-26. Review status: criteria provided, single submitter. Criteria: GeneDx Variant Classification Process June 2021. Collection method: clinical testing. Allele origin: germline.
Comment: Not observed at significant frequency in large population cohorts (gnomAD); In silico analysis supports that this missense variant has a deleterious effect on protein structure/function; Has not been previously published as pathogenic or benign to our knowledge

NM_207122.2(EXT2):c.1541C>G (p.Thr514Ser)

Gene: EXT2 (exostosin glycosyltransferase 2; plus strand). Cytogenetic location: 11p11.2.
Variant type: single nucleotide variant.
Coding change: c.1541C>G on transcript NM_207122.2 (MANE Select); coding-DNA position 1541, C replaced by G.
Protein change: p.Thr514Ser; replaces threonine 514 with serine.
Molecular consequence: missense variant.
Genome position (GRCh38, 1-based): chr11:44,206,838, C>G. VCF-style: chr11-44206838-C-G. GRCh37 (hg19) VCF-style: chr11-44228388-C-G.
Other names: c.1640C>G, p.Thr547Ser (NM_000401.3); c.1571C>G, p.Thr524Ser (NM_001178083.3); c.1541C>G, p.Thr514Ser (NM_001389628.1, NM_001389630.1); short protein forms T514S, T524S, T547S.
Identifiers: ClinVar variation 4071924 (VCV004071924.2).